The following is an entry in ClinVar:

ClinVar aggregate classification (germline): Uncertain significance (1 of 4 stars; one submission).

gnomAD v4.1: 1 of 1,614,150 alleles (0.000062%); highest among the groups gnomAD compares: Non-Finnish European, 0.000085%; no homozygotes.

Submission:

Ambry Genetics
Classification: Uncertain significance. Last evaluated: 2025-11-01. Review status: criteria provided, single submitter. Criteria: Ambry Variant Classification Scheme 2023. Collection method: clinical testing. Allele origin: germline.
Comment: The p.L1592R variant (also known as c.4775T>G), located in coding exon 42 of the KIF1B gene, results from a T to G substitution at nucleotide position 4775. The leucine at codon 1592 is replaced by arginine, an amino acid with dissimilar properties. This amino acid position is conserved. In addition, the in silico prediction for this alteration is inconclusive. Based on the available evidence, the clinical significance of this variant remains unclear.

NM_001365951.3(KIF1B):c.4913T>G (p.Leu1638Arg)

Gene: KIF1B (kinesin family member 1B; plus strand). Cytogenetic location: 1p36.22.
Variant type: single nucleotide variant.
Coding change: c.4913T>G on transcript NM_001365951.3 (MANE Select); coding-DNA position 4913, T replaced by G.
Protein change: p.Leu1638Arg; replaces leucine 1638 with arginine.
Molecular consequence: missense variant.
Genome position (GRCh38, 1-based): chr1:10,371,229, T>G. VCF-style: chr1-10371229-T-G. GRCh37 (hg19) VCF-style: chr1-10431287-T-G.
Other names: c.4913T>G, p.Leu1638Arg (NM_001365952.1); c.4775T>G, p.Leu1592Arg (NM_015074.3); short protein forms L1592R, L1638R.
Identifiers: ClinVar variation 4543663 (VCV004543663.1).
Genomic context (GRCh38, chr1:10,371,229, plus strand): 5'-ATCCCTCTGAGTCCAGTTTCAGCAGTGCCACCCTCACTCCCTCCTCCACCTGTCCCTCTC[T>G]GGTAGACTCTAGGAGCAACTCTCTGGATCAGAAGTAAGTACCCAGATTTCACTGAGAGAA-3'
Protein context (NP_001352880.1, residues 1628-1648): TLTPSSTCPS[Leu1638Arg]VDSRSNSLDQ